The following is an entry in ClinVar:

NM_001130438.3(SPTAN1):c.6417C>T (p.Asp2139=)

Gene: SPTAN1 (spectrin alpha, non-erythrocytic 1; plus strand). Cytogenetic location: 9q34.11.
Variant type: single nucleotide variant.
Coding change: c.6417C>T on transcript NM_001130438.3 (MANE Select); coding-DNA position 6417, C replaced by T.
Protein change: p.Asp2139=; no amino-acid change (aspartic acid 2139 retained).
Molecular consequence: synonymous variant.
Genome position (GRCh38, 1-based): chr9:128,626,528, C>T. VCF-style: chr9-128626528-C-T. GRCh37 (hg19) VCF-style: chr9-131388807-C-T.
Other names: c.6342C>T, p.Asp2114= (NM_001195532.2); c.6417C>T, p.Asp2139= (NM_001363759.2); c.6357C>T, p.Asp2119= (NM_001363765.2); c.6402C>T, p.Asp2134= (NM_003127.4).
Identifiers: ClinVar variation 378662 (VCV000378662.43), dbSNP rs140418358, ClinGen allele CA5265705.

ClinVar aggregate classification (germline): Benign/Likely benign. Review status: criteria provided, multiple submitters, no conflicts (2 of 4 stars). 5 submissions from 5 submitters: Benign (2); Likely benign (3). Last evaluated 2025-08-18.

Conditions:
Early-infantile DEE. Also called: Ohtahara syndrome; Early infantile epileptic encephalopathy with suppression bursts; Early infantile epileptic encephalopathy. Identifiers: Orphanet 1934, MedGen C0393706, MONDO:0800491.
Developmental and epileptic encephalopathy, 5 (DEE5). Identifiers: Orphanet 3451, MedGen C3150731, MONDO:0013277, OMIM 613477.

Allele frequency attached by ClinVar (database versions not stated): ESP Exome Variant Server 0.00008; gnomAD exomes 0.00008 and 0.00017; ExAC 0.00015; gnomAD 0.00016; TOPMed 0.00017.
gnomAD v4.1: 160 of 1,614,058 alleles (0.0099%); highest among the groups gnomAD compares: African/African-American, 0.029%; no homozygotes.

Submissions (5):

Labcorp Genetics (formerly Invitae), Labcorp
Classification: Likely benign for Early-infantile DEE. Last evaluated: 2025-08-18. Review status: criteria provided, single submitter. Criteria: Invitae Variant Classification Sherloc (09022015). Collection method: clinical testing. Allele origin: germline.

CeGaT Center for Human Genetics Tuebingen
Classification: Likely benign. Last evaluated: 2024-02-01. Review status: criteria provided, single submitter. Criteria: CeGaT Center For Human Genetics Tuebingen Variant Classification Criteria Version 2. Collection method: clinical testing. Allele origin: germline. Affected: yes. Observed: 2 variant alleles.
Comment: SPTAN1: BP4, BP7

Genome-Nilou Lab
Classification: Benign for Developmental and epileptic encephalopathy, 5. Last evaluated: 2021-07-15. Review status: criteria provided, single submitter. Criteria: ACMG Guidelines, 2015. Collection method: clinical testing. Allele origin: germline. Affected: no.

GeneDx
Classification: Benign. Last evaluated: 2015-07-21. Review status: criteria provided, single submitter. Criteria: GeneDx Variant Classification (06012015). Collection method: clinical testing. Allele origin: germline. Affected: yes.
Comment: This variant is considered likely benign or benign based on one or more of the following criteria: it is a conservative change, it occurs at a poorly conserved position in the protein, it is predicted to be benign by multiple in silico algorithms, and/or has population frequency not consistent with disease.

Breakthrough Genomics
Classification: Likely benign. Review status: criteria provided, single submitter. Criteria: ACMG Guidelines, 2015. Collection method: not provided. Allele origin: germline. Inheritance: Autosomal dominant inheritance. Affected: yes.